The following is an entry in ClinVar:

ClinVar aggregate classification (germline): Uncertain significance (1 of 4 stars; one submission).

Conditions:
Neuropathy, hereditary sensory and autonomic, type 2A (HSAN2A). Also called: ACROOSTEOLYSIS, GIACCAI TYPE; HSAN IIA; MORVAN DISEASE; NEUROPATHY, CONGENITAL SENSORY; NEUROPATHY, HEREDITARY SENSORY RADICULAR, AUTOSOMAL RECESSIVE; NEUROPATHY, HEREDITARY SENSORY, TYPE IIA. Identifiers: Orphanet 970, MedGen C2752089, MONDO:0024309, OMIM 201300.
Generalized epilepsy with febrile seizures plus, type 7 (GEFSP7). Also called: GEFS+, TYPE 7. Identifiers: Orphanet 36387, MedGen C2751778, MONDO:0013470, OMIM 613863.

Allele frequency attached by ClinVar (database versions not stated): ExAC 0.00001.
gnomAD v4.1: 7 of 1,614,154 alleles (0.00043%); highest among the groups gnomAD compares: Non-Finnish European, 0.00042%; no homozygotes.

Submission:

Labcorp Genetics (formerly Invitae), Labcorp
Classification: Uncertain significance for Neuropathy, hereditary sensory and autonomic, type 2A; Generalized epilepsy with febrile seizures plus, type 7. Last evaluated: 2023-08-27. Review status: criteria provided, single submitter. Criteria: Invitae Variant Classification Sherloc (09022015). Collection method: clinical testing. Allele origin: germline.
Comment: This variant is present in population databases (rs769097206, gnomAD 0.002%). This sequence change replaces aspartic acid, which is acidic and polar, with histidine, which is basic and polar, at codon 1793 of the SCN9A protein (p.Asp1793His). In summary, the available evidence is currently insufficient to determine the role of this variant in disease. Therefore, it has been classified as a Variant of Uncertain Significance. Advanced modeling of protein sequence and biophysical properties (such as structural, functional, and spatial information, amino acid conservation, physicochemical variation, residue mobility, and thermodynamic stability) performed at Invitae indicates that this missense variant is not expected to disrupt SCN9A protein function. This variant has not been reported in the literature in individuals affected with SCN9A-related conditions.

NM_001365536.1(SCN9A):c.5410G>C (p.Asp1804His)

Genes: SCN9A (sodium voltage-gated channel alpha subunit 9; minus strand), SCN1A-AS1 (SCN1A and SCN9A antisense RNA 1; plus strand). Cytogenetic location: 2q24.3.
Variant type: single nucleotide variant.
Coding change: c.5410G>C on transcript NM_001365536.1 (MANE Select); coding-DNA position 5410, G replaced by C.
Protein change: p.Asp1804His; replaces aspartic acid 1804 with histidine.
Molecular consequence: missense variant.
Genome position (GRCh38, 1-based): chr2:166,199,229, C>G on the plus strand (G>C on the coding strand, the complement: SCN9A is on the minus strand). VCF-style: chr2-166199229-C-G. GRCh37 (hg19) VCF-style: chr2-167055739-C-G.
Other names: c.5377G>C, p.Asp1793His (NM_002977.4); short protein forms D1804H, D1793H.
Identifiers: ClinVar variation 2922589 (VCV002922589.3), dbSNP rs769097206, ClinGen allele CA1943682.